The following is an entry in ClinVar:

ClinVar aggregate classification (germline): Likely pathogenic (1 of 4 stars; one submission).

Allele frequency attached by ClinVar (database versions not stated): gnomAD exomes below 0.00001.
gnomAD v4.1: 1 of 1,614,038 alleles (0.000062%); highest among the groups gnomAD compares: Non-Finnish European, 0.000085%; no homozygotes.

Submission:

Labcorp Genetics (formerly Invitae), Labcorp
Classification: Likely pathogenic. Last evaluated: 2022-06-13. Review status: criteria provided, single submitter. Criteria: Invitae Variant Classification Sherloc (09022015). Collection method: clinical testing. Allele origin: germline.
Comment: In summary, the currently available evidence indicates that the variant is pathogenic, but additional data are needed to prove that conclusively. Therefore, this variant has been classified as Likely Pathogenic. This sequence change affects an acceptor splice site in intron 13 of the EIF2AK3 gene. It is expected to disrupt RNA splicing. Variants that disrupt the donor or acceptor splice site typically lead to a loss of protein function (PMID: 16199547), and loss-of-function variants in EIF2AK3 are known to be pathogenic (PMID: 11997520). This variant is not present in population databases (gnomAD no frequency). This variant has not been reported in the literature in individuals affected with EIF2AK3-related conditions. Algorithms developed to predict the effect of sequence changes on RNA splicing suggest that this variant may disrupt the consensus splice site.

Literature cited by the submitters: PubMed 16199547; PubMed 11997520.

NM_004836.7(EIF2AK3):c.2818-1G>C

Genes: EIF2AK3 (eukaryotic translation initiation factor 2 alpha kinase 3; minus strand), EIF2AK3-AS1 (EIF2AK3 antisense RNA 1; plus strand). Cytogenetic location: 2p11.2.
Variant type: single nucleotide variant.
Coding change: c.2818-1G>C on transcript NM_004836.7 (MANE Select); the canonical splice acceptor site of the intron before coding-DNA position 2818, G replaced by C.
Molecular consequence: splice acceptor variant.
Genome position (GRCh38, 1-based): chr2:88,571,042, C>G on the plus strand (G>C on the coding strand, the complement: EIF2AK3 is on the minus strand). VCF-style: chr2-88571042-C-G. GRCh37 (hg19) VCF-style: chr2-88870560-C-G.
Other names: c.2365-1G>C (NM_001313915.2).
Identifiers: ClinVar variation 2005513 (VCV002005513.4), dbSNP rs2529117319, ClinGen allele CA347587471.